The following is an entry in ClinVar:

ClinVar aggregate classification (germline): Pathogenic (1 of 4 stars; one submission).

Conditions:
Charcot-Marie-Tooth disease type 4. Also called: Charcot-Marie-Tooth disease, type IV; Charcot-Marie-Tooth, Type 4. Identifiers: Orphanet 64749, MedGen C4082197, MONDO:0018995.

Submission:

Labcorp Genetics (formerly Invitae), Labcorp
Classification: Pathogenic for Charcot-Marie-Tooth disease type 4. Last evaluated: 2023-03-20. Review status: criteria provided, single submitter. Criteria: Invitae Variant Classification Sherloc (09022015). Collection method: clinical testing. Allele origin: germline.
Comment: For these reasons, this variant has been classified as Pathogenic. This variant has not been reported in the literature in individuals affected with SH3TC2-related conditions. This variant is not present in population databases (gnomAD no frequency). This sequence change creates a premature translational stop signal (p.Glu410Glyfs*14) in the SH3TC2 gene. It is expected to result in an absent or disrupted protein product. Loss-of-function variants in SH3TC2 are known to be pathogenic (PMID: 20220177, 27068304).

Literature cited by the submitters: PubMed 20220177; PubMed 27068304.

NM_024577.4(SH3TC2):c.1228dup (p.Glu410fs)

Gene: SH3TC2 (SH3 domain and tetratricopeptide repeats 2; minus strand). Cytogenetic location: 5q32.
Variant type: Duplication.
Coding change: c.1228dup on transcript NM_024577.4 (MANE Select); coding-DNA position 1228, one base duplicated (G; older notation c.1228dupG).
Protein change: p.Glu410fs; shifts the reading frame from glutamic acid 410.
Molecular consequence: frameshift variant.
Genome position (GRCh38, 1-based): chr5:149,028,504, C duplicated on the plus strand (G on the coding strand, the reverse complement: SH3TC2 is on the minus strand); the first of 2 consecutive C bases (chr5:149,028,504-149,028,505); duplicating either gives the same sequence. VCF-style (leftmost placement, unchanged base first): chr5-149028503-T-TC. GRCh37 (hg19) VCF-style: chr5-148408066-T-TC.
Other names: short protein forms E410fs.
Identifiers: ClinVar variation 2847725 (VCV002847725.3), dbSNP rs2531774672, ClinGen allele CA2739272735.
Genomic context (GRCh38, chr5:149,028,503, plus strand): 5'-TCCTCCTCCAGGCTGGAGTCCTCAGAGCTGCTGGACTGTCTGGACCCCACGGCCTGATGC[T>TC]CCTCCCAGGCTCTGCCAGGCCTGACCTCCTTGAAACCTTCAGGCTGGGATGCTGTAAGGA-3'